The following is an entry in ClinVar:

NM_080911.3(UNG):c.622+10C>T

Gene: UNG (uracil DNA glycosylase; plus strand). Cytogenetic location: 12q24.11.
Variant type: single nucleotide variant.
Coding change: c.622+10C>T on transcript NM_080911.3 (MANE Select); 10 bases into the intron after coding-DNA position 622, C replaced by T.
Molecular consequence: intron variant.
Genome position (GRCh38, 1-based): chr12:109,102,937, C>T. VCF-style: chr12-109102937-C-T. GRCh37 (hg19) VCF-style: chr12-109540742-C-T.
Other names: c.595+10C>T (NM_003362.4).
Identifiers: ClinVar variation 882509 (VCV000882509.13), dbSNP rs201555956, ClinGen allele CA6772692.

ClinVar aggregate classification (germline): Benign/Likely benign. Review status: criteria provided, multiple submitters, no conflicts (2 of 4 stars). 3 submissions from 3 submitters: Benign (1); Likely benign (2). Last evaluated 2026-01-26.

Conditions:
Hyper-IgM syndrome type 5 (HIGM5). Also called: Hyper-IgM Immunodeficiency Syndrome, Type 5. Identifiers: Orphanet 101092, MedGen C1720958, MONDO:0011971, OMIM 608106.

Allele frequency attached by ClinVar (database versions not stated): gnomAD 0.00026 and 0.00034; TOPMed 0.00034; 1000 Genomes Project 30x 0.00078; 1000 Genomes Project 0.00100.

Submissions (3):

Labcorp Genetics (formerly Invitae), Labcorp
Classification: Benign for Hyper-IgM syndrome type 5. Last evaluated: 2026-01-26. Review status: criteria provided, single submitter. Criteria: Invitae Variant Classification Sherloc (09022015). Collection method: clinical testing. Allele origin: germline.

Blueprint Genetics
Classification: Likely benign. Last evaluated: 2024-10-31. Review status: criteria provided, single submitter. Criteria: ACMG Guidelines, 2015. Collection method: clinical testing. Allele origin: germline.

Illumina Laboratory Services, Illumina
Classification: Likely benign for Hyper-IgM syndrome type 5. Last evaluated: 2018-01-12. Review status: criteria provided, single submitter. Criteria: ICSL Variant Classification Criteria 13 December 2019. Collection method: clinical testing. Allele origin: germline.
Comment: This variant was observed in the ICSL laboratory as part of a predisposition screen in an ostensibly healthy population. It had not been previously curated by ICSL or reported in the Human Gene Mutation Database (HGMD: prior to June 1st, 2018), and was therefore a candidate for classification through an automated scoring system. Utilizing variant allele frequency, disease prevalence and penetrance estimates, and inheritance mode, an automated score was calculated to assess if this variant is too frequent to cause the disease. Based on the score and internal cut-off values, a variant classified as likely benign is not then subjected to further curation. The score for this variant resulted in a classification of likely benign for this disease.